The following is an entry in ClinVar:

NM_001048174.2(MUTYH):c.1435-4A>T

Gene: MUTYH (mutY DNA glycosylase; minus strand). Cytogenetic location: 1p34.1.
Variant type: single nucleotide variant.
Coding change: c.1435-4A>T on transcript NM_001048174.2 (MANE Select); 4 bases into the intron before coding-DNA position 1435, A replaced by T.
Molecular consequence: intron variant.
Genome position (GRCh38, 1-based): chr1:45,329,441, T>A on the plus strand (A>T on the coding strand, the complement: MUTYH is on the minus strand). VCF-style: chr1-45329441-T-A. GRCh37 (hg19) VCF-style: chr1-45795113-T-A.
Other names: c.1435-4A>T (NM_001293195.2, NM_001407089.1, NM_001407072.1 and 6 more transcripts); c.1456-4A>T (NM_001407087.1); c.1090-4A>T (NM_001350651.2, NM_001350650.2, NM_001407082.1); c.1159-4A>T (NM_001293192.2, NM_001293196.2, NM_001407091.1); c.1480-4A>T (NM_001293190.2); c.1468-4A>T (NM_001407069.1, NM_001407077.1, NM_001293191.2); c.1510-4A>T (NM_012222.3); c.1519-4A>T (NM_001128425.2); and 5 more.
Identifiers: ClinVar variation 2993178 (VCV002993178.3), dbSNP rs1644384575, ClinGen allele CA2740090682.

ClinVar aggregate classification (germline): Uncertain significance (1 of 4 stars; one submission).

Conditions:
Familial adenomatous polyposis 2. Also called: MYH-associated polyposis; FAP type 2; MUTYH-associated polyposis; MUTYH-related attenuated familial adenomatous polyposis; COLORECTAL ADENOMATOUS POLYPOSIS, AUTOSOMAL RECESSIVE; ADENOMAS, MULTIPLE COLORECTAL, AUTOSOMAL RECESSIVE. Identifiers: Orphanet 220460, Orphanet 247798, MedGen C3272841, MONDO:0012041, OMIM 608456.

Submission:

Labcorp Genetics (formerly Invitae), Labcorp
Classification: Uncertain significance for Familial adenomatous polyposis 2. Last evaluated: 2024-03-12. Review status: criteria provided, single submitter. Criteria: Invitae Variant Classification Sherloc (09022015). Collection method: clinical testing. Allele origin: germline.
Comment: This sequence change falls in intron 15 of the MUTYH gene. It does not directly change the encoded amino acid sequence of the MUTYH protein. This variant is not present in population databases (gnomAD no frequency). This variant has not been reported in the literature in individuals affected with MUTYH-related conditions. Algorithms developed to predict the effect of sequence changes on RNA splicing suggest that this variant may disrupt the consensus splice site. In summary, the available evidence is currently insufficient to determine the role of this variant in disease. Therefore, it has been classified as a Variant of Uncertain Significance.